The following is an entry in ClinVar:

ClinVar aggregate classification (germline): Uncertain significance (1 of 4 stars; one submission).

Conditions:
Developmental and epileptic encephalopathy, 27 (DEE27). Also called: GRIN2B-Related Neurodevelopmental Disorder; Epileptic encephalopathy, early infantile, 27. Identifiers: Orphanet 3451, MedGen C4015316, MONDO:0014505, OMIM 616139.
Intellectual developmental disorder, autosomal dominant 6, with or without seizures. Also called: Intellectual disability, autosomal dominant 6; GRIN2B-related developmental delay, intellectual disability and autism spectrum disorder. Identifiers: Orphanet 589547, MedGen C3151411, MONDO:0013509, OMIM 613970.

Submission:

Labcorp Genetics (formerly Invitae), Labcorp
Classification: Uncertain significance for Developmental and epileptic encephalopathy, 27; Intellectual developmental disorder, autosomal dominant 6, with or without seizures. Last evaluated: 2022-12-06. Review status: criteria provided, single submitter. Criteria: Invitae Variant Classification Sherloc (09022015). Collection method: clinical testing. Allele origin: germline.
Comment: This variant is not present in population databases (gnomAD no frequency). This variant has not been reported in the literature in individuals affected with GRIN2B-related conditions. Advanced modeling of protein sequence and biophysical properties (such as structural, functional, and spatial information, amino acid conservation, physicochemical variation, residue mobility, and thermodynamic stability) has been performed at Invitae for this missense variant, however the output from this modeling did not meet the statistical confidence thresholds required to predict the impact of this variant on GRIN2B protein function. In summary, the available evidence is currently insufficient to determine the role of this variant in disease. Therefore, it has been classified as a Variant of Uncertain Significance. This sequence change replaces leucine, which is neutral and non-polar, with methionine, which is neutral and non-polar, at codon 425 of the GRIN2B protein (p.Leu425Met).

NM_000834.5(GRIN2B):c.1273C>A (p.Leu425Met)

Gene: GRIN2B (glutamate ionotropic receptor NMDA type subunit 2B; minus strand). Cytogenetic location: 12p13.1.
Variant type: single nucleotide variant.
Coding change: c.1273C>A on transcript NM_000834.5 (MANE Select); coding-DNA position 1273, C replaced by A.
Protein change: p.Leu425Met; replaces leucine 425 with methionine.
Molecular consequence: missense variant.
Genome position (GRCh38, 1-based): chr12:13,616,510, G>T on the plus strand (C>A on the coding strand, the complement: GRIN2B is on the minus strand). VCF-style: chr12-13616510-G-T. GRCh37 (hg19) VCF-style: chr12-13769444-G-T.
Other names: c.1273C>A, p.Leu425Met (NM_001413992.1); short protein forms L425M.
Identifiers: ClinVar variation 2115351 (VCV002115351.4), dbSNP rs2497602338, ClinGen allele CA384052561.